The following is an entry in ClinVar:

NM_001851.6(COL9A1):c.2582-164T>C

Gene: COL9A1 (collagen type IX alpha 1 chain; minus strand). Cytogenetic location: 6q13.
Variant type: single nucleotide variant.
Coding change: c.2582-164T>C on transcript NM_001851.6 (MANE Select); 164 bases into the intron before coding-DNA position 2582, T replaced by C.
Molecular consequence: intron variant.
Genome position (GRCh38, 1-based): chr6:70,217,245, A>G on the plus strand (T>C on the coding strand, the complement: COL9A1 is on the minus strand). VCF-style: chr6-70217245-A-G. GRCh37 (hg19) VCF-style: chr6-70926948-A-G.
Other names: c.1706-164T>C (NM_001377290.1); c.1853-164T>C (NM_078485.4); c.1883-164T>C (NM_001377289.1).
Identifiers: ClinVar variation 679660 (VCV000679660.2), dbSNP rs9455005, ClinGen allele CA140833710.

ClinVar aggregate classification (germline): Likely benign. Review status: criteria provided, multiple submitters, no conflicts (2 of 4 stars). 2 submissions from 2 submitters: Likely benign (2). Last evaluated 2018-06-14.

Allele frequency attached by ClinVar (database versions not stated): gnomAD 0.01365 and 0.01460; TOPMed 0.01586; 1000 Genomes Project 0.01697.
gnomAD v4.1: 2,070 of 152,280 alleles (1.4%); highest among the groups gnomAD compares: African/African-American, 4.4%; 43 homozygotes.

Submissions (2):

GeneDx
Classification: Likely benign. Last evaluated: 2018-06-14. Review status: criteria provided, single submitter. Criteria: GeneDx Variant Classification (06012015). Collection method: clinical testing. Allele origin: germline. Affected: yes.
Comment: This variant is considered likely benign or benign based on one or more of the following criteria: it is a conservative change, it occurs at a poorly conserved position in the protein, it is predicted to be benign by multiple in silico algorithms, and/or has population frequency not consistent with disease.

Breakthrough Genomics
Classification: Likely benign. Review status: criteria provided, single submitter. Criteria: ACMG Guidelines, 2015. Collection method: not provided. Allele origin: germline. Inheritance: Autosomal dominant inheritance. Affected: yes.